The following is an entry in ClinVar:

NM_001353655.3(CDCP2):c.416G>A (p.Gly139Asp)

Gene: CDCP2 (CUB domain containing protein 2; minus strand). Cytogenetic location: 1p32.3.
Variant type: single nucleotide variant.
Coding change: c.416G>A on transcript NM_001353655.3 (MANE Select); coding-DNA position 416, G replaced by A.
Protein change: p.Gly139Asp; replaces glycine 139 with aspartic acid.
Molecular consequence: missense variant.
Genome position (GRCh38, 1-based): chr1:54,144,477, C>T on the plus strand (G>A on the coding strand, the complement: CDCP2 is on the minus strand). VCF-style: chr1-54144477-C-T. GRCh37 (hg19) VCF-style: chr1-54610150-C-T.
Other names: c.416G>A, p.Gly139Asp (NM_001412141.1, NM_201546.5); short protein forms G139D.
Identifiers: ClinVar variation 2390298 (VCV002390298.26), dbSNP rs144870678, ClinGen allele CA864348.

ClinVar aggregate classification (germline): Conflicting classifications of pathogenicity. Review status: criteria provided, conflicting classifications (1 of 4 stars). 2 submissions from 2 submitters: Uncertain significance (1); Likely benign (1). Last evaluated 2022-04-01.

Allele frequency attached by ClinVar (database versions not stated): 1000 Genomes Project 0.00020; 1000 Genomes Project 30x 0.00031; gnomAD exomes 0.00039; ESP Exome Variant Server 0.00046; ExAC 0.00051; TOPMed 0.00093.
gnomAD v4.1: 685 of 1,573,978 alleles (0.044%); highest among the groups gnomAD compares: Middle Eastern, 0.39%; 2 homozygotes.

Submissions (2):

CeGaT Center for Human Genetics Tuebingen
Classification: Likely benign. Last evaluated: 2022-04-01. Review status: criteria provided, single submitter. Criteria: CeGaT Center For Human Genetics Tuebingen Variant Classification Criteria Version 2. Collection method: clinical testing. Allele origin: germline. Affected: yes. Observed: 1 variant allele.
Comment: CDCP2: BP4

Ambry Genetics
Classification: Uncertain significance. Last evaluated: 2021-10-20. Review status: criteria provided, single submitter. Criteria: Ambry Variant Classification Scheme 2023. Collection method: clinical testing. Allele origin: germline.